The following is an entry in ClinVar:

NM_002769.5(PRSS1):c.647G>T (p.Trp216Leu)

Genes: PRSS1 (serine protease 1; plus strand), TRB (T cell receptor beta locus; plus strand). Cytogenetic location: 7q34.
Variant type: single nucleotide variant.
Coding change: c.647G>T on transcript NM_002769.5 (MANE Select); coding-DNA position 647, G replaced by T.
Protein change: p.Trp216Leu; replaces tryptophan 216 with leucine.
Molecular consequence: missense variant. On other transcripts: non-coding transcript variant (5).
Genome position (GRCh38, 1-based): chr7:142,752,923, G>T. VCF-style: chr7-142752923-G-T. GRCh37 (hg19) VCF-style: chr7-142460774-G-T.
Other names: short protein forms W216L.
Identifiers: ClinVar variation 1753753 (VCV001753753.2), dbSNP rs1798877385, ClinGen allele CA369610686.

ClinVar aggregate classification (germline): Uncertain significance (1 of 4 stars; one submission).

Conditions:
Hereditary pancreatitis (PCTT). Also called: Hereditary chronic pancreatitis; PRSS1-Related Hereditary Pancreatitis. Identifiers: Orphanet 676, MedGen C0238339, MONDO:0008185, OMIM 167800.

Allele frequency attached by ClinVar (database versions not stated): TOPMed below 0.00001; gnomAD 0.00001.

Submission:

Ambry Genetics
Classification: Uncertain significance for Hereditary pancreatitis. Last evaluated: 2023-09-23. Review status: criteria provided, single submitter. Criteria: Ambry Variant Classification Scheme 2023. Collection method: clinical testing. Allele origin: germline.
Comment: The p.W216L variant (also known as c.647G>T), located in coding exon 5 of the PRSS1 gene, results from a G to T substitution at nucleotide position 647. The tryptophan at codon 216 is replaced by leucine, an amino acid with similar properties. This amino acid position is conserved. In addition, this alteration is predicted to be deleterious by in silico analysis. Since supporting evidence is limited at this time, the clinical significance of this alteration remains unclear.